The following is an entry in ClinVar:

ClinVar aggregate classification (germline): Uncertain significance (1 of 4 stars; one submission).

Conditions:
Orofaciodigital syndrome I (OFD1). Also called: Papillon-Leage and Psaume Syndrome; OFDS I; Oral-Facial-Digital Syndrome Type I. Identifiers: Orphanet 2750, MedGen C1510460, MONDO:0010702, OMIM 311200.

Submission:

3billion
Classification: Uncertain significance for Orofaciodigital syndrome I. Last evaluated: 2023-06-15. Review status: criteria provided, single submitter. Criteria: ACMG Guidelines, 2015. Collection method: clinical testing. Allele origin: germline. Affected: yes.
Comment: The variant is not observed in the gnomAD v2.1.1 dataset. Predicted Consequence/Location: Missense variant Therefore, this variant is classified as VUS according to the recommendation of ACMG/AMP guideline.

NM_003611.3(OFD1):c.887T>G (p.Leu296Arg)

Gene: OFD1 (OFD1 centriole and centriolar satellite protein; plus strand). Cytogenetic location: Xp22.2.
Variant type: single nucleotide variant.
Coding change: c.887T>G on transcript NM_003611.3 (MANE Select); coding-DNA position 887, T replaced by G.
Protein change: p.Leu296Arg; replaces leucine 296 with arginine.
Molecular consequence: missense variant.
Genome position (GRCh38, 1-based): chrX:13,749,485, T>G. VCF-style: chrX-13749485-T-G. GRCh37 (hg19) VCF-style: chrX-13767604-T-G.
Other names: c.887T>G, p.Leu296Arg (NM_001330209.2); c.467T>G, p.Leu156Arg (NM_001330210.2); short protein forms L156R, L296R.
Identifiers: ClinVar variation 3775556 (VCV003775556.1).